The following is an entry in ClinVar:

ClinVar aggregate classification (germline): Likely benign (1 of 4 stars; one submission).

gnomAD v4.1: 3 of 1,614,180 alleles (0.00019%); highest among the groups gnomAD compares: Non-Finnish European, 0.00025%; no homozygotes.

Submission:

CeGaT Center for Human Genetics Tuebingen
Classification: Likely benign. Last evaluated: 2025-02-01. Review status: criteria provided, single submitter. Criteria: CeGaT Center For Human Genetics Tuebingen Variant Classification Criteria Version 2. Collection method: clinical testing. Allele origin: germline. Affected: yes. Observed: 1 variant allele.
Comment: SERPIND1: BP4, BP7

NM_000185.4(SERPIND1):c.957G>A (p.Glu319=)

Genes: PI4KA (phosphatidylinositol 4-kinase alpha; minus strand), SERPIND1 (serpin family D member 1; plus strand). Cytogenetic location: 22q11.21.
Variant type: single nucleotide variant.
Coding change: c.957G>A on transcript NM_000185.4 (MANE Select); coding-DNA position 957, G replaced by A.
Protein change: p.Glu319=; no amino-acid change (glutamic acid 319 retained).
Molecular consequence: synonymous variant. On other transcripts: intron variant (3).
Genome position (GRCh38, 1-based): chr22:20,784,039, G>A. VCF-style: chr22-20784039-G-A. GRCh37 (hg19) VCF-style: chr22-21138327-G-A.
Other names: c.2262+9154C>T (NM_001362863.2); c.2328+9154C>T (NM_001362862.2, NM_058004.4).
Identifiers: ClinVar variation 3770792 (VCV003770792.13).